The following is an entry in ClinVar:

ClinVar aggregate classification (germline): Likely pathogenic (1 of 4 stars; one submission).

Conditions:
Interstitial lung disease due to ABCA3 deficiency. Also called: PULMONARY ALVEOLAR PROTEINOSIS, CONGENITAL, 3. Identifiers: Orphanet 440402, MedGen C1970456, MONDO:0012582, OMIM 610921.

Submission:

Juno Genomics, Hangzhou Juno Genomics, Inc
Classification: Likely pathogenic for Interstitial lung disease due to ABCA3 deficiency. Review status: criteria provided, single submitter. Criteria: ACMG Guidelines, 2015. Collection method: clinical testing. Allele origin: germline.
Comment: Null variant in a gene where loss of function (LOF) is a known mechanism of disease.;Absent from controls (or at extremely low frequency if recessive) in Genome Aggregation Database.

NM_001089.3(ABCA3):c.3050dup (p.Gly1018fs)

Gene: ABCA3 (ATP binding cassette subfamily A member 3; minus strand). Cytogenetic location: 16p13.3.
Variant type: Duplication.
Coding change: c.3050dup on transcript NM_001089.3 (MANE Select); coding-DNA position 3050, one base duplicated (G; older notation c.3050dupG).
Protein change: p.Gly1018fs; shifts the reading frame from glycine 1018.
Molecular consequence: frameshift variant.
Genome position (GRCh38, 1-based): chr16:2,286,922, C duplicated on the plus strand (G on the coding strand, the reverse complement: ABCA3 is on the minus strand); the first of 6 consecutive C bases (chr16:2,286,922-2,286,927); duplicating any one gives the same sequence. VCF-style (leftmost placement, unchanged base first): chr16-2286921-G-GC. GRCh37 (hg19) VCF-style: chr16-2336922-G-GC.
Other names: short protein forms G1018fs.
Identifiers: ClinVar variation 5005551 (VCV005005551.2).